The following is an entry in ClinVar:

ClinVar aggregate classification (germline): Uncertain significance. Review status: criteria provided, multiple submitters, no conflicts (2 of 4 stars). 2 submissions from 2 submitters: Uncertain significance (2). Last evaluated 2025-06-19.

Conditions:
Dilated cardiomyopathy 1G (CMD1G). Identifiers: Orphanet 154, MedGen C1858763, MONDO:0011400, OMIM 604145.
Autosomal recessive limb-girdle muscular dystrophy type 2J (LGMDR10). Also called: Limb-girdle muscular dystrophy, type 2J; MUSCULAR DYSTROPHY, LIMB-GIRDLE, AUTOSOMAL RECESSIVE 10. Identifiers: Orphanet 140922, MedGen C1837342, MONDO:0012127, OMIM 608807.

Allele frequency attached by ClinVar (database versions not stated): gnomAD exomes below 0.00001; ExAC 0.00001; gnomAD 0.00002; TOPMed 0.00002.
gnomAD v4.1: 6 of 1,613,540 alleles (0.00037%); highest among the groups gnomAD compares: Non-Finnish European, 0.00051%; no homozygotes.

Submissions (2):

Labcorp Genetics (formerly Invitae), Labcorp
Classification: Uncertain significance for Dilated cardiomyopathy 1G; Autosomal recessive limb-girdle muscular dystrophy type 2J. Last evaluated: 2025-06-19. Review status: criteria provided, single submitter. Criteria: Invitae Variant Classification Sherloc (09022015). Collection method: clinical testing. Allele origin: germline.
Comment: This sequence change replaces isoleucine, which is neutral and non-polar, with asparagine, which is neutral and polar, at codon 34411 of the TTN protein (p.Ile34411Asn). This variant is present in population databases (rs72629784, gnomAD 0.003%). This missense change has been observed in individual(s) with dilated cardiomyopathy (PMID: 26567375). ClinVar contains an entry for this variant (Variation ID: 2922753). Experimental studies and prediction algorithms are not available or were not evaluated, and the functional significance of this variant is currently unknown. This variant is located in the M band of TTN (PMID: 25589632). Non-truncating variants in this region may be relevant for neuromuscular disorders, but have not been definitively shown to cause cardiomyopathy (PMID: 23975875). In summary, the available evidence is currently insufficient to determine the role of this variant in disease. Therefore, it has been classified as a Variant of Uncertain Significance.

GeneDx
Classification: Uncertain significance. Last evaluated: 2024-10-18. Review status: criteria provided, single submitter. Criteria: GeneDx Variant Classification Process June 2021. Collection method: clinical testing. Allele origin: germline. Affected: yes.
Comment: Identified in a patient with DCM who also harbored a pathogenic LMNA variant (PMID: 26567375); Not observed at significant frequency in large population cohorts (gnomAD); Missense variant in a gene in which most reported pathogenic variants are truncating/loss of function; This variant is associated with the following publications: (PMID: 26567375)

Literature cited by the submitters: PubMed 26567375 (cited by Labcorp Genetics (formerly Invitae), Labcorp); PubMed 25589632 (cited by Labcorp Genetics (formerly Invitae), Labcorp); PubMed 23975875 (cited by Labcorp Genetics (formerly Invitae), Labcorp).

NM_001267550.2(TTN):c.103232T>A (p.Ile34411Asn)

Genes: TTN-AS1 (TTN antisense RNA 1; plus strand), TTN (titin; minus strand). Cytogenetic location: 2q31.2.
Variant type: single nucleotide variant.
Coding change: c.103232T>A on transcript NM_001267550.2 (MANE Select); coding-DNA position 103232, T replaced by A.
Protein change: p.Ile34411Asn; replaces isoleucine 34411 with asparagine.
Molecular consequence: missense variant.
Genome position (GRCh38, 1-based): chr2:178,533,383, A>T on the plus strand (T>A on the coding strand, the complement: TTN is on the minus strand). VCF-style: chr2-178533383-A-T. GRCh37 (hg19) VCF-style: chr2-179398110-A-T.
Other names: c.98309T>A, p.Ile32770Asn (NM_001256850.1); c.76037T>A, p.Ile25346Asn (NM_003319.4); c.95528T>A, p.Ile31843Asn (NM_133378.4); c.76412T>A, p.Ile25471Asn (NM_133432.3); c.76613T>A, p.Ile25538Asn (NM_133437.4); short protein forms I25471N, I25538N, I25346N, I31843N, I32770N, I34411N.
Identifiers: ClinVar variation 2922753 (VCV002922753.4), dbSNP rs72629784, ClinGen allele CA1985639.